The following is an entry in ClinVar:

NM_000051.4(ATM):c.8656G>A (p.Val2886Ile)

Genes: C11orf65 (chromosome 11 open reading frame 65; minus strand), ATM (ATM serine/threonine kinase; plus strand). Cytogenetic location: 11q22.3.
Variant type: single nucleotide variant.
Coding change: c.8656G>A on transcript NM_000051.4 (MANE Select); coding-DNA position 8656, G replaced by A.
Protein change: p.Val2886Ile; replaces valine 2886 with isoleucine.
Molecular consequence: missense variant. On other transcripts: intron variant (2).
Genome position (GRCh38, 1-based): chr11:108,347,350, G>A. VCF-style: chr11-108347350-G-A. GRCh37 (hg19) VCF-style: chr11-108218077-G-A.
Other names: c.641-38279C>T (NM_001330368.2); c.695-12058C>T (NM_001351110.2); c.8656G>A, p.Val2886Ile (NM_001351834.2); short protein forms V2886I.
Identifiers: ClinVar variation 421335 (VCV000421335.14), dbSNP rs1064795066, ClinGen allele CA16619265.

ClinVar aggregate classification (germline): Uncertain significance. Review status: criteria provided, multiple submitters, no conflicts (2 of 4 stars). 5 submissions from 5 submitters: Uncertain significance (4). 1 of the submissions does not count toward it. Last evaluated 2025-11-25.

Conditions:
Hereditary cancer-predisposing syndrome. Also called: Neoplastic Syndromes, Hereditary; Hereditary Cancer Syndrome; Tumor predisposition; Hereditary neoplastic syndrome. Identifiers: Orphanet 140162, MedGen C0027672, MeSH D009386, MONDO:0015356.
Familial cancer of breast. Also called: Hereditary breast cancer; BREAST CANCER, FAMILIAL; hereditary breast carcinoma. Identifiers: Orphanet 227535, MedGen C0346153, MONDO:0016419, OMIM 114480. Disease mechanism: loss of function.
Ataxia-telangiectasia syndrome (AT). Also called: LOUIS-BAR SYNDROME; Cerebello-oculocutaneous telangiectasia; Immunodeficiency with ataxia telangiectasia; Ataxia-telangiectasia, complementation group D; AT, COMPLEMENTATION GROUP C; Ataxia-telangiectasia, complementation group E. Identifiers: Orphanet 100, MedGen C0004135, MONDO:0008840, OMIM 208900.

Allele frequency attached by ClinVar (database versions not stated): gnomAD exomes 0.00001 and below 0.00001.
gnomAD v4.1: 7 of 1,603,282 alleles (0.00044%); highest among the groups gnomAD compares: Non-Finnish European, 0.00051%; no homozygotes.

Submissions (5):

Ambry Genetics
Classification: Uncertain significance for Hereditary cancer-predisposing syndrome. Last evaluated: 2025-11-25. Review status: criteria provided, single submitter. Criteria: Ambry Variant Classification Scheme 2023. Collection method: clinical testing. Allele origin: germline.
Comment: The p.V2886I variant (also known as c.8656G>A), located in coding exon 58 of the ATM gene, results from a G to A substitution at nucleotide position 8656. The valine at codon 2886 is replaced by isoleucine, an amino acid with highly similar properties. This amino acid position is highly conserved in available vertebrate species. In addition, this alteration is predicted to be tolerated by in silico analysis. Since supporting evidence is limited at this time, the clinical significance of this alteration remains unclear.

Labcorp Genetics (formerly Invitae), Labcorp
Classification: Uncertain significance for Ataxia-telangiectasia syndrome. Last evaluated: 2024-10-28. Review status: criteria provided, single submitter. Criteria: Invitae Variant Classification Sherloc (09022015). Collection method: clinical testing. Allele origin: germline.
Comment: This sequence change replaces valine, which is neutral and non-polar, with isoleucine, which is neutral and non-polar, at codon 2886 of the ATM protein (p.Val2886Ile). This variant is present in population databases (no rsID available, gnomAD 0.006%). This missense change has been observed in individual(s) with breast cancer (PMID: 35218119). ClinVar contains an entry for this variant (Variation ID: 421335). Invitae Evidence Modeling of protein sequence and biophysical properties (such as structural, functional, and spatial information, amino acid conservation, physicochemical variation, residue mobility, and thermodynamic stability) indicates that this missense variant is not expected to disrupt ATM protein function with a negative predictive value of 95%. In summary, the available evidence is currently insufficient to determine the role of this variant in disease. Therefore, it has been classified as a Variant of Uncertain Significance.

Baylor Genetics
Classification: Uncertain significance for Familial cancer of breast. Last evaluated: 2023-05-07. Review status: criteria provided, single submitter. Criteria: ACMG Guidelines, 2015. Collection method: clinical testing. Allele origin: unknown.

GeneDx
Classification: Uncertain significance. Last evaluated: 2016-05-29. Review status: criteria provided, single submitter. Criteria: GeneDx Variant Classification (06012015). Collection method: clinical testing. Allele origin: germline. Affected: yes.
Comment: This variant is denoted ATM c.8656G>A at the cDNA level, p.Val2886Ile (V2886I) at the protein level, and results in the change of a Valine to an Isoleucine (GTA>ATA). This variant has not, to our knowledge, been published in the literature as pathogenic or benign. ATM Val2886Ile was not observed in approximately 6,500 individuals of European and African American ancestry in the NHLBI Exome Sequencing Project, suggesting it is not a common benign variant in these populations. Since Valine and Isoleucine share similar properties, this is considered a conservative amino acid substitution. ATM Val2886Ile occurs at a position that is conserved across species and is located within the PI3-PI4 kinase domain and the p53 interaction domain (Tavtigian 2009, Stracker 2013, UniProt). In silico analyses are inconsistent regarding the effect this variant may have on protein structure and function. Based on currently available evidence, it is unclear whether ATM Val2886Ile is a pathogenic or benign variant. We consider it to be a variant of uncertain significance.

Natera, Inc.
Classification: Uncertain significance for Ataxia-telangiectasia. Last evaluated: 2025-03-28. Review status: no assertion criteria provided. Collection method: clinical testing. Allele origin: germline. Not counted in ClinVar's aggregate classification.

Literature cited by the submitters: PubMed 35218119 (cited by Labcorp Genetics (formerly Invitae), Labcorp).